The following is an entry in ClinVar:

NM_000156.6(GAMT):c.460-3C>T

Gene: GAMT (guanidinoacetate N-methyltransferase; minus strand). Cytogenetic location: 19p13.3.
Variant type: single nucleotide variant.
Coding change: c.460-3C>T on transcript NM_000156.6 (MANE Select); 3 bases into the intron before coding-DNA position 460, C replaced by T.
Molecular consequence: intron variant.
Genome position (GRCh38, 1-based): chr19:1,399,029, G>A on the plus strand (C>T on the coding strand, the complement: GAMT is on the minus strand). VCF-style: chr19-1399029-G-A. GRCh37 (hg19) VCF-style: chr19-1399028-G-A.
Other names: c.460-3C>T (NM_138924.3).
Identifiers: ClinVar variation 2183781 (VCV002183781.3), dbSNP rs113795557, ClinGen allele CA783446073.

ClinVar aggregate classification (germline): Uncertain significance (1 of 4 stars; one submission).

Conditions:
Cerebral creatine deficiency syndrome. Also called: Creatine deficiency syndromes. Identifiers: Orphanet 79172, MedGen C5244016, MONDO:0000456.

Allele frequency attached by ClinVar (database versions not stated): TOPMed 0.00001.

Submission:

Labcorp Genetics (formerly Invitae), Labcorp
Classification: Uncertain significance for Cerebral creatine deficiency syndrome. Last evaluated: 2022-08-22. Review status: criteria provided, single submitter. Criteria: Invitae Variant Classification Sherloc (09022015). Collection method: clinical testing. Allele origin: germline.
Comment: In summary, the available evidence is currently insufficient to determine the role of this variant in disease. Therefore, it has been classified as a Variant of Uncertain Significance. Variants that disrupt the consensus splice site are a relatively common cause of aberrant splicing (PMID: 17576681, 9536098). Algorithms developed to predict the effect of sequence changes on RNA splicing suggest that this variant is not likely to affect RNA splicing. This variant has not been reported in the literature in individuals affected with GAMT-related conditions. This variant is not present in population databases (gnomAD no frequency). This sequence change falls in intron 4 of the GAMT gene. It does not directly change the encoded amino acid sequence of the GAMT protein. It affects a nucleotide within the consensus splice site.

Literature cited by the submitters: PubMed 17576681; PubMed 9536098.